The following is an entry in ClinVar:

NM_206933.4(USH2A):c.2410C>T (p.Pro804Ser)

Genes: USH2A (usherin; minus strand), LOC122152296 (Sharpr-MPRA regulatory region 8762; plus strand). Cytogenetic location: 1q41.
Variant type: single nucleotide variant.
Coding change: c.2410C>T on transcript NM_206933.4 (MANE Select); coding-DNA position 2410, C replaced by T.
Protein change: p.Pro804Ser; replaces proline 804 with serine.
Molecular consequence: missense variant.
Genome position (GRCh38, 1-based): chr1:216,246,984, G>A on the plus strand (C>T on the coding strand, the complement: USH2A is on the minus strand). VCF-style: chr1-216246984-G-A. GRCh37 (hg19) VCF-style: chr1-216420326-G-A.
Other names: c.2410C>T, p.Pro804Ser (NM_007123.6); short protein forms P804S.
Identifiers: ClinVar variation 1029379 (VCV001029379.1), dbSNP rs2036063280, ClinGen allele CA344864858.

ClinVar aggregate classification (germline): Uncertain significance (1 of 4 stars; one submission).

Conditions:
Retinitis pigmentosa 39 (RP39). Identifiers: Orphanet 791, MedGen C3151138, MONDO:0013436, OMIM 613809.

Submission:

Baylor Genetics
Classification: Uncertain significance for Retinitis pigmentosa 39. Last evaluated: 2019-05-03. Review status: criteria provided, single submitter. Criteria: ACMG Guidelines, 2015. Collection method: clinical testing. Allele origin: unknown. Affected: yes.
Comment: This variant was determined to be of uncertain significance according to ACMG Guidelines, 2015 [PMID:25741868].